The following is an entry in ClinVar:

ClinVar aggregate classification (germline): Uncertain significance (1 of 4 stars; one submission).

Allele frequency attached by ClinVar (database versions not stated): gnomAD exomes below 0.00001 and 0.00004; TOPMed 0.00001; ExAC 0.00005.

Submission:

Labcorp Genetics (formerly Invitae), Labcorp
Classification: Uncertain significance. Last evaluated: 2024-06-24. Review status: criteria provided, single submitter. Criteria: Invitae Variant Classification Sherloc (09022015). Collection method: clinical testing. Allele origin: germline.
Comment: This sequence change replaces leucine, which is neutral and non-polar, with proline, which is neutral and non-polar, at codon 134 of the PDE6B protein (p.Leu134Pro). This variant is present in population databases (rs758700964, gnomAD 0.04%). This missense change has been observed in individual(s) with retinitis pigmentosa (PMID: 35033039). ClinVar contains an entry for this variant (Variation ID: 1011894). Advanced modeling of protein sequence and biophysical properties (such as structural, functional, and spatial information, amino acid conservation, physicochemical variation, residue mobility, and thermodynamic stability) has been performed at Invitae for this missense variant, however the output from this modeling did not meet the statistical confidence thresholds required to predict the impact of this variant on PDE6B protein function. In summary, the available evidence is currently insufficient to determine the role of this variant in disease. Therefore, it has been classified as a Variant of Uncertain Significance.

Literature cited by the submitters: PubMed 35033039.

NM_000283.4(PDE6B):c.401T>C (p.Leu134Pro)

Gene: PDE6B (phosphodiesterase 6B; plus strand). Cytogenetic location: 4p16.3.
Variant type: single nucleotide variant.
Coding change: c.401T>C on transcript NM_000283.4 (MANE Select); coding-DNA position 401, T replaced by C.
Protein change: p.Leu134Pro; replaces leucine 134 with proline.
Molecular consequence: missense variant.
Genome position (GRCh38, 1-based): chr4:626,027, T>C. VCF-style: chr4-626027-T-C. GRCh37 (hg19) VCF-style: chr4-619816-T-C.
Other names: c.401T>C, p.Leu134Pro (NM_001145291.2); short protein forms L134P.
Identifiers: ClinVar variation 1011894 (VCV001011894.9), dbSNP rs758700964, ClinGen allele CA2793932.